The following is an entry in ClinVar:

ClinVar aggregate classification (germline): Likely benign (1 of 4 stars; one submission).

Conditions:
MNX1-related disorder. Also called: MNX1-related condition.

Submission:

PreventionGenetics, part of Exact Sciences
Classification: Likely benign for MNX1-related condition. Last evaluated: 2025-03-28. Review status: criteria provided, single submitter. Criteria: ACMG Guidelines, 2015. Collection method: clinical testing. Allele origin: germline.
Comment: This variant is classified as likely benign based on ACMG/AMP sequence variant interpretation guidelines (Richards et al. 2015 PMID: 25741868, with internal and published modifications).

NM_005515.4(MNX1):c.648G>T (p.Ala216=)

Gene: MNX1 (motor neuron and pancreas homeobox 1; minus strand). Cytogenetic location: 7q36.3.
Variant type: single nucleotide variant.
Coding change: c.648G>T on transcript NM_005515.4 (MANE Select); coding-DNA position 648, G replaced by T.
Protein change: p.Ala216=; no amino-acid change (alanine 216 retained).
Molecular consequence: synonymous variant.
Genome position (GRCh38, 1-based): chr7:157,009,703, C>A on the plus strand (G>T on the coding strand, the complement: MNX1 is on the minus strand). VCF-style: chr7-157009703-C-A. GRCh37 (hg19) VCF-style: chr7-156802397-C-A.
Identifiers: ClinVar variation 4999648 (VCV004999648.1).
Genomic context (GRCh38, chr7:157,009,703, plus strand): 5'-GGCCGCAGGGTACTCACAGTTGAAGTCGGGCATCTTAGGCAGGATCATGCCCGCGGTGGA[C>A]GCGCGCAGCCACTGGTCCAGCTGGAAGGTGCCGGCGCCCAGCTTGATGGGGTCGGCGGGG-3'
Protein context (NP_005506.3, residues 206-226): GTFQLDQWLR[Ala216=]STAGMILPKM